The following is an entry in ClinVar:

ClinVar aggregate classification (germline): Uncertain significance (1 of 4 stars; one submission).

Submission:

GeneDx
Classification: Uncertain significance. Last evaluated: 2024-05-13. Review status: criteria provided, single submitter. Criteria: GeneDx Variant Classification Process June 2021. Collection method: clinical testing. Allele origin: germline. Affected: yes.
Comment: Not observed at significant frequency in large population cohorts (gnomAD); In silico analysis supports that this missense variant has a deleterious effect on protein structure/function; Has not been previously published as pathogenic or benign to our knowledge

NM_004247.4(EFTUD2):c.1810C>T (p.Leu604Phe)

Gene: EFTUD2 (elongation factor Tu GTP binding domain containing 2; minus strand). Cytogenetic location: 17q21.31.
Variant type: single nucleotide variant.
Coding change: c.1810C>T on transcript NM_004247.4 (MANE Select); coding-DNA position 1810, C replaced by T.
Protein change: p.Leu604Phe; replaces leucine 604 with phenylalanine.
Molecular consequence: missense variant.
Genome position (GRCh38, 1-based): chr17:44,859,955, G>A on the plus strand (C>T on the coding strand, the complement: EFTUD2 is on the minus strand). VCF-style: chr17-44859955-G-A. GRCh37 (hg19) VCF-style: chr17-42937323-G-A.
Other names: c.1705C>T, p.Leu569Phe (NM_001142605.2); c.1810C>T, p.Leu604Phe (NM_001258353.2); c.1780C>T, p.Leu594Phe (NM_001258354.2); short protein forms L569F, L594F, L604F.
Identifiers: ClinVar variation 3381471 (VCV003381471.1).